The following is an entry in ClinVar:

ClinVar aggregate classification (germline): Uncertain significance (1 of 4 stars; one submission).

gnomAD v4.1: 2 of 1,607,810 alleles (0.00012%); highest among the groups gnomAD compares: Non-Finnish European, 0.00017%; no homozygotes.

Submission:

Ambry Genetics
Classification: Uncertain significance. Last evaluated: 2025-07-31. Review status: criteria provided, single submitter. Criteria: Ambry Variant Classification Scheme 2023. Collection method: clinical testing. Allele origin: germline.
Comment: The p.R1243W variant (also known as c.3727C>T), located in coding exon 16 of the WNK2 gene, results from a C to T substitution at nucleotide position 3727. The arginine at codon 1243 is replaced by tryptophan, an amino acid with dissimilar properties. This amino acid position is conserved. In addition, this alteration is predicted to be tolerated by in silico analysis. Based on the available evidence, the clinical significance of this variant remains unclear.

NM_006648.4(WNK2):c.3727C>T (p.Arg1243Trp)

Gene: WNK2 (WNK lysine deficient protein kinase 2; plus strand). Cytogenetic location: 9q22.31.
Variant type: single nucleotide variant.
Coding change: c.3727C>T on transcript NM_006648.4 (MANE Select); coding-DNA position 3727, C replaced by T.
Protein change: p.Arg1243Trp; replaces arginine 1243 with tryptophan.
Molecular consequence: missense variant.
Genome position (GRCh38, 1-based): chr9:93,267,776, C>T. VCF-style: chr9-93267776-C-T. GRCh37 (hg19) VCF-style: chr9-96030058-C-T.
Other names: c.3727C>T, p.Arg1243Trp (NM_001282394.3); short protein forms R1243W.
Identifiers: ClinVar variation 4201687 (VCV004201687.1).